The following is an entry in ClinVar:

ClinVar aggregate classification (germline): Uncertain significance (1 of 4 stars; one submission).

Conditions:
Cardiovascular phenotype. Identifiers: MedGen CN230736.

gnomAD v4.1: 2 of 1,560,538 alleles (0.00013%); highest among the groups gnomAD compares: Admixed American, 0.0019%; no homozygotes.

Submission:

Ambry Genetics
Classification: Uncertain significance for Cardiovascular phenotype. Last evaluated: 2022-07-06. Review status: criteria provided, single submitter. Criteria: Ambry Variant Classification Scheme 2023. Collection method: clinical testing. Allele origin: germline.
Comment: The p.P252T variant (also known as c.754C>A), located in coding exon 10 of the TXNRD2 gene, results from a C to A substitution at nucleotide position 754. The proline at codon 252 is replaced by threonine, an amino acid with highly similar properties. This amino acid position is conserved. In addition, this alteration is predicted to be tolerated by in silico analysis. Since supporting evidence is limited at this time, the clinical significance of this alteration remains unclear.

NM_006440.5(TXNRD2):c.754C>A (p.Pro252Thr)

Gene: TXNRD2 (thioredoxin reductase 2; minus strand). Cytogenetic location: 22q11.21.
Variant type: single nucleotide variant.
Coding change: c.754C>A on transcript NM_006440.5 (MANE Select); coding-DNA position 754, C replaced by A.
Protein change: p.Pro252Thr; replaces proline 252 with threonine.
Molecular consequence: missense variant. On other transcripts: non-coding transcript variant (1).
Genome position (GRCh38, 1-based): chr22:19,898,059, G>T on the plus strand (C>A on the coding strand, the complement: TXNRD2 is on the minus strand). VCF-style: chr22-19898059-G-T. GRCh37 (hg19) VCF-style: chr22-19885582-G-T.
Other names: c.754C>A, p.Pro252Thr (NM_001282512.3); c.751C>A, p.Pro251Thr (NM_001352300.2); c.664C>A, p.Pro222Thr (NM_001352301.2); c.466C>A, p.Pro156Thr (NM_001352302.2); c.658C>A, p.Pro220Thr (NM_001352303.2); short protein forms P220T, P252T, P156T, P222T, P251T.
Identifiers: ClinVar variation 1759468 (VCV001759468.2), dbSNP rs1019205992, ClinGen allele CA322099855.
Genomic context (GRCh38, chr22:19,898,059, plus strand): 5'-TCAGAGCCACAGGGGCGGGAGCTGGGGCCTCCAGCACTACCTGGTCGAAGCCGCGGAGGG[G>T]GATGCTGCGCATCATGATGGTGGTGTCCAGCCCAATCCCGGTGAGGAAGCCAGCACACTC-3'
Protein context (NP_006431.2, residues 242-262): LDTTIMMRSI[Pro252Thr]LRGFDQQMSS